The following is an entry in ClinVar:

ClinVar aggregate classification (germline): Uncertain significance (1 of 4 stars; one submission).

Submission:

GeneDx
Classification: Uncertain significance. Last evaluated: 2025-02-19. Review status: criteria provided, single submitter. Criteria: GeneDx Variant Classification Process June 2021. Collection method: clinical testing. Allele origin: germline. Affected: yes.
Comment: Not observed at significant frequency in large population cohorts (gnomAD); In silico analysis supports that this missense variant has a deleterious effect on protein structure/function; Has not been previously published as pathogenic or benign to our knowledge

NM_001170629.2(CHD8):c.2620T>C (p.Trp874Arg)

Gene: CHD8 (chromodomain helicase DNA binding protein 8; minus strand). Cytogenetic location: 14q11.2.
Variant type: single nucleotide variant.
Coding change: c.2620T>C on transcript NM_001170629.2 (MANE Select); coding-DNA position 2620, T replaced by C.
Protein change: p.Trp874Arg; replaces tryptophan 874 with arginine.
Molecular consequence: missense variant.
Genome position (GRCh38, 1-based): chr14:21,408,422, A>G on the plus strand (T>C on the coding strand, the complement: CHD8 is on the minus strand). VCF-style: chr14-21408422-A-G. GRCh37 (hg19) VCF-style: chr14-21876581-A-G.
Other names: c.1783T>C, p.Trp595Arg (NM_020920.4); short protein forms W595R, W874R.
Identifiers: ClinVar variation 4076827 (VCV004076827.1).
Genomic context (GRCh38, chr14:21,408,422, plus strand): 5'-CCAGACTGCCATGGTACACAATAGTGTTCATTTCTGTCCATGTATTAAATTCTCGCTCCC[A>G]GTTAGTAATTGTGGACAGTGGGGCAATGACCAAGAAGGGACCATGGATGCCCACATTATA-3'
Protein context (NP_001164100.1, residues 864-884): VIAPLSTITN[Trp874Arg]EREFNTWTEM